The following is an entry in ClinVar:

ClinVar aggregate classification (germline): Likely benign. Review status: criteria provided, multiple submitters, no conflicts (2 of 4 stars). 2 submissions from 2 submitters: Likely benign (2). Last evaluated 2026-03-25.

Conditions:
FOXL2-related disorder. Also called: FOXL2-related condition.

Submissions (2):

PreventionGenetics, part of Exact Sciences
Classification: Likely benign for FOXL2-related condition. Last evaluated: 2026-03-25. Review status: criteria provided, single submitter. Criteria: ACMG Guidelines, 2015. Collection method: clinical testing. Allele origin: germline.
Comment: This variant is classified as likely benign based on ACMG/AMP sequence variant interpretation guidelines (Richards et al. 2015 PMID: 25741868, with internal and published modifications).

Blueprint Genetics
Classification: Likely benign. Last evaluated: 2024-05-02. Review status: criteria provided, single submitter. Criteria: ACMG Guidelines, 2015. Collection method: clinical testing. Allele origin: germline.

NM_023067.4(FOXL2):c.129G>A (p.Gly43=)

Gene: FOXL2 (forkhead box L2; minus strand). Cytogenetic location: 3q22.3.
Variant type: single nucleotide variant.
Coding change: c.129G>A on transcript NM_023067.4 (MANE Select); coding-DNA position 129, G replaced by A.
Protein change: p.Gly43=; no amino-acid change (glycine 43 retained).
Molecular consequence: synonymous variant.
Genome position (GRCh38, 1-based): chr3:138,946,594, C>T on the plus strand (G>A on the coding strand, the complement: FOXL2 is on the minus strand). VCF-style: chr3-138946594-C-T. GRCh37 (hg19) VCF-style: chr3-138665436-C-T.
Other names: c.129G>A (NM_023067.3).
Identifiers: ClinVar variation 4964481 (VCV004964481.2).
Genomic context (GRCh38, chr3:138,946,594, plus strand): 5'-GATGAGCGCCACGTACGAGTACGGGGGCTTCTGCGCCGGGTCCGGCTTCTCCGGGGCTGT[C>T]CCGCCGCCACCCCCACCGCCCTTGCCTGGGCTCGGCGGCGGCCCTTCTGGCTCCTTGACT-3'
Protein context (NP_075555.1, residues 33-53): SPGKGGGGGG[Gly43=]TAPEKPDPAQ